The following is an entry in ClinVar:

NM_001123385.2(BCOR):c.1779C>T (p.Ser593=)

Gene: BCOR (BCL6 corepressor; minus strand). Cytogenetic location: Xp11.4.
Variant type: single nucleotide variant.
Coding change: c.1779C>T on transcript NM_001123385.2 (MANE Select); coding-DNA position 1779, C replaced by T.
Protein change: p.Ser593=; no amino-acid change (serine 593 retained).
Molecular consequence: synonymous variant.
Genome position (GRCh38, 1-based): chrX:40,073,567, G>A on the plus strand (C>T on the coding strand, the complement: BCOR is on the minus strand). VCF-style: chrX-40073567-G-A. GRCh37 (hg19) VCF-style: chrX-39932820-G-A.
Other names: c.1779C>T, p.Ser593= (NM_001123383.2, NM_001123384.2, NM_017745.6).
Identifiers: ClinVar variation 3047369 (VCV003047369.2), dbSNP rs17145652, ClinGen allele CA10386883.
Genomic context (GRCh38, chrX:40,073,567, plus strand): 5'-GCTGGTGCTGCTACTGTGCTTGGCAGGAGTGGCCGGGGGCTGGCCCACGTGCTGAATAAC[G>A]GATGGTGTGGTTTCTACAGAGCTCCTGCTGGTTTTGGTGCCATCTGCATTGGCATTGGGG-3'
Protein context (NP_001116857.1, residues 583-603): TSRSSVETTP[Ser593=]VIQHVGQPPA

ClinVar aggregate classification (germline): Likely benign (0 of 4 stars; one submission).

Conditions:
BCOR-related disorder. Also called: BCOR-related disorders; BCOR-related condition.

gnomAD v4.1: 136 of 1,211,038 alleles (0.011%); highest among the groups gnomAD compares: Non-Finnish European, 0.015%; no homozygotes.

Submission:

PreventionGenetics, part of Exact Sciences
Classification: Likely benign for BCOR-related condition. Last evaluated: 2019-03-10. Review status: no assertion criteria provided. Collection method: clinical testing. Allele origin: germline.
Comment: This variant is classified as likely benign based on ACMG/AMP sequence variant interpretation guidelines (Richards et al. 2015 PMID: 25741868, with internal and published modifications).